The following is an entry in ClinVar:

ClinVar aggregate classification (germline): Likely benign (1 of 4 stars; one submission).

Submission:

CeGaT Center for Human Genetics Tuebingen
Classification: Likely benign. Last evaluated: 2025-08-01. Review status: criteria provided, single submitter. Criteria: CeGaT Center For Human Genetics Tuebingen Variant Classification Criteria Version 2. Collection method: clinical testing. Allele origin: germline. Affected: yes. Observed: 2 variant alleles.
Comment: MUC7: BS2

NM_152291.3(MUC7):c.246dup (p.Lys83fs)

Gene: MUC7 (mucin 7, secreted; plus strand). Cytogenetic location: 4q13.3.
Variant type: Duplication.
Coding change: c.246dup on transcript NM_152291.3 (MANE Select); coding-DNA position 246, one base duplicated (C; older notation c.246dupC).
Protein change: p.Lys83fs; shifts the reading frame from lysine 83.
Molecular consequence: frameshift variant.
Genome position (GRCh38, 1-based): chr4:70,480,990, C duplicated; the last of 7 consecutive C bases (chr4:70,480,984-70,480,990); duplicating any one gives the same sequence. VCF-style (leftmost placement, unchanged base first): chr4-70480983-A-AC. GRCh37 (hg19) VCF-style: chr4-71346700-A-AC.
Other names: c.246dup, p.Lys83fs (NM_001145006.2, NM_001145007.2); short protein forms K83fs.
Identifiers: ClinVar variation 3770400 (VCV003770400.13).